The following is an entry in ClinVar:

NM_004562.3(PRKN):c.730G>A (p.Val244Ile)

Gene: PRKN (parkin RBR E3 ubiquitin protein ligase; minus strand). Cytogenetic location: 6q26.
Variant type: single nucleotide variant.
Coding change: c.730G>A on transcript NM_004562.3 (MANE Select); coding-DNA position 730, G replaced by A.
Protein change: p.Val244Ile; replaces valine 244 with isoleucine.
Molecular consequence: missense variant.
Genome position (GRCh38, 1-based): chr6:161,973,306, C>T on the plus strand (G>A on the coding strand, the complement: PRKN is on the minus strand). VCF-style: chr6-161973306-C-T. GRCh37 (hg19) VCF-style: chr6-162394338-C-T.
Other names: c.646G>A, p.Val216Ile (NM_013987.3); c.283G>A, p.Val95Ile (NM_013988.3); short protein forms V244I, V216I, V95I.
Identifiers: ClinVar variation 468588 (VCV000468588.25), dbSNP rs771259513, ClinGen allele CA4090261.
Genomic context (GRCh38, chr6:161,973,306, plus strand): 5'-TTTAGATCCTTACCTCACGTCCGTGGAGGGAAGTGACACTATTTTTAGATCCTTACCTGA[C>T]GTCTGTGCACGTAATGCAAGTGATGTTCCGACTATTTGTTGCGATCAGGTGCAAAGCTAC-3'
Protein context (NP_004553.2, residues 234-254): RNITCITCTD[Val244Ile]RSPVLVFQCN

ClinVar aggregate classification (germline): Conflicting classifications of pathogenicity. Review status: criteria provided, conflicting classifications (1 of 4 stars). 4 submissions from 4 submitters: Uncertain significance (2); Likely benign (2). Last evaluated 2024-11-25.

Conditions:
Inborn genetic diseases. Identifiers: MedGen C0950123, MeSH D030342.

Allele frequency attached by ClinVar (database versions not stated): ExAC 0.00003; gnomAD exomes 0.00003; gnomAD 0.00004; TOPMed 0.00005.

Submissions (4):

Blueprint Genetics
Classification: Likely benign. Last evaluated: 2024-11-25. Review status: criteria provided, single submitter. Criteria: ACMG Guidelines, 2015. Collection method: clinical testing. Allele origin: germline.

CeGaT Center for Human Genetics Tuebingen
Classification: Uncertain significance. Last evaluated: 2024-07-01. Review status: criteria provided, single submitter. Criteria: CeGaT Center For Human Genetics Tuebingen Variant Classification Criteria Version 2. Collection method: clinical testing. Allele origin: germline. Affected: yes. Observed: 1 variant allele.
Comment: PRKN: PM2, BP4

Ambry Genetics
Classification: Likely benign for Inborn genetic diseases. Last evaluated: 2022-12-01. Review status: criteria provided, single submitter. Criteria: Ambry Variant Classification Scheme 2023. Collection method: clinical testing. Allele origin: germline.

Labcorp Genetics (formerly Invitae), Labcorp
Classification: Uncertain significance. Last evaluated: 2022-05-01. Review status: criteria provided, single submitter. Criteria: Invitae Variant Classification Sherloc (09022015). Collection method: clinical testing. Allele origin: germline.
Comment: This sequence change replaces valine, which is neutral and non-polar, with isoleucine, which is neutral and non-polar, at codon 244 of the PRKN protein (p.Val244Ile). This variant is present in population databases (rs771259513, gnomAD 0.01%). This variant has not been reported in the literature in individuals affected with PRKN-related conditions. ClinVar contains an entry for this variant (Variation ID: 468588). Algorithms developed to predict the effect of missense changes on protein structure and function output the following: SIFT: "Tolerated"; PolyPhen-2: "Benign"; Align-GVGD: "Class C0". The isoleucine amino acid residue is found in multiple mammalian species, which suggests that this missense change does not adversely affect protein function. In summary, the available evidence is currently insufficient to determine the role of this variant in disease. Therefore, it has been classified as a Variant of Uncertain Significance.